The following is an entry in ClinVar:

ClinVar aggregate classification (germline): Uncertain significance (1 of 4 stars; one submission).

Conditions:
Hypertrophic cardiomyopathy. Also called: HYPERTROPHIC MYOCARDIOPATHY. Identifiers: Orphanet 217569, MedGen C0007194, MeSH D002312, MONDO:0005045, HP:0001639.

Submission:

Labcorp Genetics (formerly Invitae), Labcorp
Classification: Uncertain significance for Hypertrophic cardiomyopathy. Last evaluated: 2018-09-06. Review status: criteria provided, single submitter. Criteria: Invitae Variant Classification Sherloc (09022015). Collection method: clinical testing. Allele origin: germline.
Comment: In summary, the available evidence is currently insufficient to determine the role of this variant in disease. Therefore, it has been classified as a Variant of Uncertain Significance. Algorithms developed to predict the effect of missense changes on protein structure and function are either unavailable or do not agree on the potential impact of this missense change (SIFT: "Deleterious"; PolyPhen-2: "Probably Damaging"; Align-GVGD: "Class C0"). This variant has not been reported in the literature in individuals with TNNI3-related disease. This variant is not present in population databases (ExAC no frequency). This sequence change replaces arginine with isoleucine at codon 111 of the TNNI3 protein (p.Arg111Ile). The arginine residue is highly conserved and there is a moderate physicochemical difference between arginine and isoleucine.

NM_000363.5(TNNI3):c.332G>T (p.Arg111Ile)

Gene: TNNI3 (troponin I3, cardiac type; minus strand). Cytogenetic location: 19q13.42.
Variant type: single nucleotide variant.
Coding change: c.332G>T on transcript NM_000363.5 (MANE Select); coding-DNA position 332, G replaced by T.
Protein change: p.Arg111Ile; replaces arginine 111 with isoleucine.
Molecular consequence: missense variant.
Genome position (GRCh38, 1-based): chr19:55,154,781, C>A on the plus strand (G>T on the coding strand, the complement: TNNI3 is on the minus strand). VCF-style: chr19-55154781-C-A. GRCh37 (hg19) VCF-style: chr19-55666149-C-A.
Other names: c.332G>T (LRG_432t1); short protein forms R111I.
Identifiers: ClinVar variation 647347 (VCV000647347.8), dbSNP rs1599909659, ClinGen allele CA407441039.